The following is an entry in ClinVar:

NM_005993.5(TBCD):c.3098A>G (p.Asn1033Ser)

Gene: TBCD (tubulin folding cofactor D). Cytogenetic location: 17q25.3.
Variant type: single nucleotide variant.
Coding change: c.3098A>G on transcript NM_005993.5 (MANE Select); coding-DNA position 3098, A replaced by G.
Protein change: p.Asn1033Ser; replaces asparagine 1033 with serine.
Molecular consequence: missense variant.
Genome position (GRCh38, 1-based): chr17:82,930,628, A>G. VCF-style: chr17-82930628-A-G. GRCh37 (hg19) VCF-style: chr17-80888504-A-G.
Other names: c.3047A>G, p.Asn1016Ser (NM_001411101.1); c.3017A>G, p.Asn1006Ser (NM_001411102.1); short protein forms N1016S, N1006S, N1033S.
Identifiers: ClinVar variation 2171098 (VCV002171098.2), dbSNP rs537563250, ClinGen allele CA8863384.

ClinVar aggregate classification (germline): Uncertain significance. Review status: criteria provided, multiple submitters, no conflicts (2 of 4 stars). 2 submissions from 2 submitters: Uncertain significance (2). Last evaluated 2025-11-06.

Allele frequency attached by ClinVar (database versions not stated): ExAC 0.00002; gnomAD exomes 0.00002; gnomAD 0.00003; TOPMed 0.00003; 1000 Genomes Project 30x 0.00016; 1000 Genomes Project 0.00020.
gnomAD v4.1: 29 of 1,613,814 alleles (0.0018%); highest among the groups gnomAD compares: East Asian, 0.0022%; no homozygotes.

Submissions (2):

Women's Health and Genetics/Laboratory Corporation of America, LabCorp
Classification: Uncertain significance. Last evaluated: 2025-11-06. Review status: criteria provided, single submitter. Criteria: LabCorp Variant Classification Summary - May 2015. Collection method: clinical testing. Allele origin: germline.
Comment: Variant summary: TBCD c.3098A>G (p.Asn1033Ser) results in a conservative amino acid change in the encoded protein sequence. Algorithms developed to predict the effect of missense changes on protein structure and function are either unavailable or do not agree on the potential impact of this missense change. The variant allele was found at a frequency of 1.6e-05 in 249222 control chromosomes. The available data on variant occurrences in the general population are insufficient to allow any conclusion about variant significance. To our knowledge, no occurrence of c.3098A>G in individuals affected with TBCD-related conditions and no experimental evidence demonstrating its impact on protein function have been reported. ClinVar contains an entry for this variant (Variation ID: 2171098). Based on the evidence outlined above, the variant was classified as uncertain significance.

Labcorp Genetics (formerly Invitae), Labcorp
Classification: Uncertain significance. Last evaluated: 2022-04-07. Review status: criteria provided, single submitter. Criteria: Invitae Variant Classification Sherloc (09022015). Collection method: clinical testing. Allele origin: germline.
Comment: This sequence change replaces asparagine, which is neutral and polar, with serine, which is neutral and polar, at codon 1033 of the TBCD protein (p.Asn1033Ser). This variant is present in population databases (rs537563250, gnomAD 0.006%). This variant has not been reported in the literature in individuals affected with TBCD-related conditions. Algorithms developed to predict the effect of missense changes on protein structure and function output the following: SIFT: "Tolerated"; PolyPhen-2: "Benign"; Align-GVGD: "Class C0". The serine amino acid residue is found in multiple mammalian species, which suggests that this missense change does not adversely affect protein function. This variant disrupts the p.Asn1033 amino acid residue in TBCD. Other variant(s) that disrupt this residue have been determined to be pathogenic (PMID: 29921875). This suggests that this residue is clinically significant, and that variants that disrupt this residue are likely to be disease-causing. In summary, the available evidence is currently insufficient to determine the role of this variant in disease. Therefore, it has been classified as a Variant of Uncertain Significance.

Literature cited by the submitters: PubMed 29921875 (cited by Labcorp Genetics (formerly Invitae), Labcorp).